The following is an entry in ClinVar:

NM_007294.4(BRCA1):c.5406+2T>G

Gene: BRCA1 (BRCA1 DNA repair associated; minus strand). Cytogenetic location: 17q21.31.
Variant type: single nucleotide variant.
Coding change: c.5406+2T>G on transcript NM_007294.4 (MANE Select); the canonical splice donor site of the intron after coding-DNA position 5406, T replaced by G.
Molecular consequence: splice donor variant. On other transcripts: intron variant (19).
Genome position (GRCh38, 1-based): chr17:43,049,119, A>C on the plus strand (T>G on the coding strand, the complement: BRCA1 is on the minus strand). VCF-style: chr17-43049119-A-C. GRCh37 (hg19) VCF-style: chr17-41201136-A-C.
Other names: c.1980+2T>G (NM_001408418.1, NM_001408419.1, NM_001408420.1); c.2094+2T>G (NM_001407981.1, NM_007298.4, NM_001407992.1 and 10 more transcripts); c.2097+2T>G (NM_001407978.1, NM_001407977.1, NM_001407975.1 and 3 more transcripts); c.5400+2T>G (NM_001407639.1, NM_001407629.1, NM_001407636.1 and 13 more transcripts); c.5330-1416T>G (NM_001407859.1, NM_001407858.1, NM_001407860.1); c.5403+2T>G (NM_001407620.1, NM_001407623.1, NM_001407612.1 and 14 more transcripts); c.5406+2T>G (NM_001407597.1, NM_001407605.1, NM_001407594.1 and 5 more transcripts); c.5472+2T>G (NM_001407582.1, NM_001407581.1); and 84 more.
Identifiers: ClinVar variation 868431 (VCV000868431.5), dbSNP rs2051071309, ClinGen allele CA10590661.

ClinVar aggregate classification (germline): Likely pathogenic (0 of 4 stars; one submission).

Conditions:
Breast-ovarian cancer, familial, susceptibility to, 1 (BROVCA1). Also called: BRCA1 Hereditary Breast and Ovarian Cancer; OVARIAN CANCER, SUSCEPTIBILITY TO. Identifiers: Orphanet 145, MedGen C2676676, MONDO:0011450, OMIM 604370. Disease mechanism: loss of function.

Submissions (2):

KCCC/NGS Laboratory, Kuwait Cancer Control Center
Classification: Likely pathogenic for Breast-ovarian cancer, familial, susceptibility to, 1. Last evaluated: 2023-05-05. Review status: no assertion criteria provided. Collection method: clinical testing. Allele origin: germline. Affected: yes.
Comment: The BRCA1 mutation detected in this specimen (c.5406+2T>G) show sequence change affects a splice site in intron area after exon 22 of the BRCA1 gene . It is expected to disrupt RNA splicing and likely results in an absent or disrupts protein product . This variant is previously reported (PMID: 25329591) associated with breast cancer. ClinVar has an entry for this variant (ID:868431). This variant is also known as c.5469+2T>G. Donor and acceptor splice site variants typically lead to disrupt protein and loss of function. A functional study (PMID: 25329591) shows this variant results in loss of function. The saturation genome editing (SGE) assay for BRCA1 NM_007294.3:c.5406+2T>G, a CANONICAL SPLICE variant, produced a function score of -1.44, corresponding to a functional classification of LOSS_OF_FUNCTION. This variant is not found in gnomAD genomes. In-silico predictions show Pathogenic computational verdict based on 6 pathogenic predictions from BayesDel_addAF, DANN, EIGEN, FATHMM-MKL, MutationTaster and scSNV-Splicing vs no benign predictions. Therefore, this variant has been classified as Likely pathogenic.

Brotman Baty Institute, University of Washington
No classification provided (evidence only). Condition: Breast-ovarian cancer, familial 1. Review status: no classification provided. Collection method: in vitro. Allele origin: not applicable. Functional consequence: functionally_abnormal. Not counted in ClinVar's aggregate classification.
ClinVar note: "not provided" was previously submitted as the classification for the variant. However, the classification appeared to be based only on an observation of functional data so it was converted to no classification on 2025-07-30.

Literature cited by the submitters: PubMed 20104584 (cited by KCCC/NGS Laboratory, Kuwait Cancer Control Center).